The following is an entry in ClinVar:

NM_001370259.2(MEN1):c.1787G>A (p.Ser596Asn)

Gene: MEN1 (menin 1; minus strand). Cytogenetic location: 11q13.1.
Variant type: single nucleotide variant.
Coding change: c.1787G>A on transcript NM_001370259.2 (MANE Select); coding-DNA position 1787, G replaced by A.
Protein change: p.Ser596Asn; replaces serine 596 with asparagine.
Molecular consequence: missense variant. On other transcripts: non-coding transcript variant (4).
Genome position (GRCh38, 1-based): chr11:64,804,380, C>T on the plus strand (G>A on the coding strand, the complement: MEN1 is on the minus strand). VCF-style: chr11-64804380-C-T. GRCh37 (hg19) VCF-style: chr11-64571852-C-T.
Other names: c.1802G>A, p.Ser601Asn (NM_000244.4, NM_130800.3, NM_130801.3 and 4 more transcripts); c.1913G>A, p.Ser638Asn (NM_001370251.2, NM_001407142.1, NM_001407143.1 and 1 more transcripts); c.1682G>A, p.Ser561Asn (NM_001407148.1, NM_001407149.1, NM_001370262.2 and 1 more transcripts); c.1928G>A, p.Ser643Asn (NM_001407150.1); c.1808G>A, p.Ser603Asn (NM_001407151.1); c.1622G>A, p.Ser541Asn (NM_001407152.1); c.1787G>A, p.Ser596Asn (NM_130799.3, NM_001370260.2, NM_001370261.2 and 2 more transcripts); short protein forms S541N, S561N, S596N, S601N, S603N, S638N, S643N.
Identifiers: ClinVar variation 4859897 (VCV004859897.1).

ClinVar aggregate classification (germline): Uncertain significance (1 of 4 stars; one submission).

Conditions:
Hereditary cancer-predisposing syndrome. Also called: Neoplastic Syndromes, Hereditary; Tumor predisposition; Hereditary Cancer Syndrome; Hereditary neoplastic syndrome. Identifiers: Orphanet 140162, MedGen C0027672, MeSH D009386, MONDO:0015356.

Submission:

Ambry Genetics
Classification: Uncertain significance for Hereditary cancer-predisposing syndrome. Last evaluated: 2026-04-09. Review status: criteria provided, single submitter. Criteria: Ambry Variant Classification Scheme 2023. Collection method: clinical testing. Allele origin: germline.
Comment: The p.S596N variant (also known as c.1787G>A), located in coding exon 9 of the MEN1 gene, results from a G to A substitution at nucleotide position 1787. The serine at codon 596 is replaced by asparagine, an amino acid with highly similar properties. This amino acid position is not well conserved in available vertebrate species. In addition, this alteration is predicted to be tolerated by in silico analysis. Based on the available evidence, the clinical significance of this variant remains unclear.